The following is an entry in ClinVar:

NM_018240.7(KIRREL1):c.329G>A (p.Arg110Gln)

Gene: KIRREL1 (kirre like nephrin family adhesion molecule 1; plus strand). Cytogenetic location: 1q23.1.
Variant type: single nucleotide variant.
Coding change: c.329G>A on transcript NM_018240.7 (MANE Select); coding-DNA position 329, G replaced by A.
Protein change: p.Arg110Gln; replaces arginine 110 with glutamine.
Molecular consequence: missense variant. On other transcripts: intron variant (1).
Genome position (GRCh38, 1-based): chr1:158,078,117, G>A. VCF-style: chr1-158078117-G-A. GRCh37 (hg19) VCF-style: chr1-158047907-G-A.
Other names: c.53-6305G>A (NM_001286349.2); c.329G>A (NM_018240.6); short protein forms R110Q.
Identifiers: ClinVar variation 2525318 (VCV002525318.3), dbSNP rs764691509, ClinGen allele CA1177374.
Genomic context (GRCh38, chr1:158,078,117, plus strand): 5'-CTGAGCTCTCTGACGACGCCTCTTACGAGTGCCAGGCCACGGAGGCCGCCCTGCGCTCTC[G>A]GCGGGCCAAACTCACCGTGCTCAGTAAGGACCCCAATACCCTTCAGTACTTCGAGGCCCT-3'
Protein context (NP_060710.3, residues 100-120): CQATEAALRS[Arg110Gln]RAKLTVLIPP

ClinVar aggregate classification (germline): Uncertain significance. Review status: criteria provided, multiple submitters, no conflicts (2 of 4 stars). 2 submissions from 2 submitters: Uncertain significance (2). Last evaluated 2023-06-12.

Conditions:
KIRREL1-related disorder. Also called: KIRREL1-related condition.

Allele frequency attached by ClinVar (database versions not stated): TOPMed 0.00001; ExAC 0.00002; gnomAD exomes 0.00002; gnomAD 0.00004.
gnomAD v4.1: 35 of 1,614,018 alleles (0.0022%); highest among the groups gnomAD compares: South Asian, 0.011%; no homozygotes.

Submissions (2):

PreventionGenetics, part of Exact Sciences
Classification: Uncertain significance for KIRREL1-related condition. Last evaluated: 2023-06-12. Review status: criteria provided, single submitter. Criteria: ACMG Guidelines, 2015. Collection method: clinical testing. Allele origin: germline.
Comment: The KIRREL1 c.329G>A variant is predicted to result in the amino acid substitution p.Arg110Gln. To our knowledge, this variant has not been reported in the literature. This variant is reported in 0.0098% of alleles in individuals of South Asian descent in gnomAD. At this time, the clinical significance of this variant is uncertain due to the absence of conclusive functional and genetic evidence.

Ambry Genetics
Classification: Uncertain significance. Last evaluated: 2023-05-23. Review status: criteria provided, single submitter. Criteria: Ambry Variant Classification Scheme 2023. Collection method: clinical testing. Allele origin: germline.